The following is an entry in ClinVar:

NM_001159773.2(CANT1):c.830C>T (p.Pro277Leu)

Gene: CANT1 (calcium activated nucleotidase 1; minus strand). Cytogenetic location: 17q25.3.
Variant type: single nucleotide variant.
Coding change: c.830C>T on transcript NM_001159773.2 (MANE Select); coding-DNA position 830, C replaced by T.
Protein change: p.Pro277Leu; replaces proline 277 with leucine.
Molecular consequence: missense variant.
Genome position (GRCh38, 1-based): chr17:78,995,023, G>A on the plus strand (C>T on the coding strand, the complement: CANT1 is on the minus strand). VCF-style: chr17-78995023-G-A. GRCh37 (hg19) VCF-style: chr17-76991105-G-A.
Other names: c.830C>T, p.Pro277Leu (NM_001159772.2, NM_138793.4); short protein forms P277L.
Identifiers: ClinVar variation 325700 (VCV000325700.8), dbSNP rs774920895, ClinGen allele CA8808601.

ClinVar aggregate classification (germline): Uncertain significance. Review status: criteria provided, multiple submitters, no conflicts (2 of 4 stars). 3 submissions from 3 submitters: Uncertain significance (3). Last evaluated 2025-09-10.

Conditions:
Desbuquois dysplasia 1 (DBQD1). Also called: MICROMELIC DWARFISM WITH VERTEBRAL AND METAPHYSEAL ABNORMALITIES AND ADVANCED CARPOTARSAL OSSIFICATION; DESBUQUOIS DYSPLASIA 1, KIM VARIANT. Identifiers: Orphanet 1425, MedGen C4012146, MONDO:0009629, OMIM 251450.
Inborn genetic diseases. Identifiers: MedGen C0950123, MeSH D030342.

Allele frequency attached by ClinVar (database versions not stated): gnomAD exomes 0.00002; TOPMed 0.00002; gnomAD 0.00003; ExAC 0.00004.

Submissions (3):

Ambry Genetics
Classification: Uncertain significance for Inborn genetic diseases. Last evaluated: 2025-09-10. Review status: criteria provided, single submitter. Criteria: Ambry Variant Classification Scheme 2023. Collection method: clinical testing. Allele origin: germline.

Labcorp Genetics (formerly Invitae), Labcorp
Classification: Uncertain significance. Last evaluated: 2021-11-01. Review status: criteria provided, single submitter. Criteria: Invitae Variant Classification Sherloc (09022015). Collection method: clinical testing. Allele origin: germline.
Comment: This sequence change replaces proline, which is neutral and non-polar, with leucine, which is neutral and non-polar, at codon 277 of the CANT1 protein (p.Pro277Leu). This variant is present in population databases (rs774920895, gnomAD 0.01%). This variant has not been reported in the literature in individuals affected with CANT1-related conditions. ClinVar contains an entry for this variant (Variation ID: 325700). Algorithms developed to predict the effect of missense changes on protein structure and function (SIFT, PolyPhen-2, Align-GVGD) all suggest that this variant is likely to be tolerated. In summary, the available evidence is currently insufficient to determine the role of this variant in disease. Therefore, it has been classified as a Variant of Uncertain Significance.

Illumina Laboratory Services, Illumina
Classification: Uncertain significance for Desbuquois dysplasia 1. Last evaluated: 2018-01-13. Review status: criteria provided, single submitter. Criteria: ICSL Variant Classification Criteria 13 December 2019. Collection method: clinical testing. Allele origin: germline.